The following is an entry in ClinVar:

NM_001022.4(RPS19):c.59C>T (p.Ala20Val)

Genes: RPS19 (ribosomal protein S19; plus strand), RPS19-CD79A (RPS19-CD79A readthrough; plus strand). Cytogenetic location: 19q13.2.
Variant type: single nucleotide variant.
Coding change: c.59C>T on transcript NM_001022.4 (MANE Select); coding-DNA position 59, C replaced by T.
Protein change: p.Ala20Val; replaces alanine 20 with valine.
Molecular consequence: missense variant.
Genome position (GRCh38, 1-based): chr19:41,860,833, C>T. VCF-style: chr19-41860833-C-T. GRCh37 (hg19) VCF-style: chr19-42364903-C-T.
Other names: c.59C>T, p.Ala20Val (NM_001321483.2, NM_001321484.2, NM_001321485.2); short protein forms A20V.
Identifiers: ClinVar variation 4808112 (VCV004808112.1).

ClinVar aggregate classification (germline): Uncertain significance (1 of 4 stars; one submission).

Conditions:
Diamond-Blackfan anemia. Also called: Blackfan Diamond syndrome; Aregenerative anemia chronic congenital; Red cell aplasia, pure hereditary; Congenital hypoplastic anemia; Aase syndrome. Identifiers: Orphanet 124, MedGen C1260899, MeSH D029503, MONDO:0015253, HP:0004810.

gnomAD v4.1: 45 of 1,613,536 alleles (0.0028%); highest among the groups gnomAD compares: Non-Finnish European, 0.0036%; no homozygotes.

Submission:

Labcorp Genetics (formerly Invitae), Labcorp
Classification: Uncertain significance for Diamond-Blackfan anemia. Last evaluated: 2025-04-23. Review status: criteria provided, single submitter. Criteria: Invitae Variant Classification Sherloc (09022015). Collection method: clinical testing. Allele origin: germline.
Comment: This sequence change replaces alanine, which is neutral and non-polar, with valine, which is neutral and non-polar, at codon 20 of the RPS19 protein (p.Ala20Val). This variant is present in population databases (rs372693971, gnomAD 0.004%). This variant has not been reported in the literature in individuals affected with RPS19-related conditions. An algorithm developed to predict the effect of missense changes on protein structure and function (PolyPhen-2) suggests that this variant is likely to be tolerated. In summary, the available evidence is currently insufficient to determine the role of this variant in disease. Therefore, it has been classified as a Variant of Uncertain Significance.